The following is an entry in ClinVar:

NM_058216.3(RAD51C):c.966-1080C>T

Gene: RAD51C (RAD51 paralog C; plus strand). Cytogenetic location: 17q22.
Variant type: single nucleotide variant.
Coding change: c.966-1080C>T on transcript NM_058216.3 (MANE Select); 1080 bases into the intron before coding-DNA position 966, C replaced by T.
Molecular consequence: intron variant.
Genome position (GRCh38, 1-based): chr17:58,731,404, C>T. VCF-style: chr17-58731404-C-T. GRCh37 (hg19) VCF-style: chr17-56808765-C-T.
Identifiers: ClinVar variation 3228961 (VCV003228961.1), dbSNP rs1350760085, ClinGen allele CA773553029.

ClinVar aggregate classification (germline): Uncertain significance (1 of 4 stars; one submission).

Conditions:
Hereditary cancer-predisposing syndrome. Also called: Neoplastic Syndromes, Hereditary; Tumor predisposition; Hereditary neoplastic syndrome; Hereditary Cancer Syndrome. Identifiers: Orphanet 140162, MedGen C0027672, MeSH D009386, MONDO:0015356.

Allele frequency attached by ClinVar (database versions not stated): TOPMed below 0.00001; gnomAD 0.00001.
gnomAD v4.1: 2 of 151,974 alleles (0.0013%); highest among the groups gnomAD compares: African/African-American, 0.0024%; no homozygotes.

Submission:

Ambry Genetics
Classification: Uncertain significance for Hereditary cancer-predisposing syndrome. Last evaluated: 2024-03-08. Review status: criteria provided, single submitter. Criteria: Ambry Variant Classification Scheme 2023. Collection method: clinical testing. Allele origin: germline.
Comment: The c.966-1080C>T intronic variant results from a C to T substitution 1080 nucleotides upstream from coding exon 8 in the RAD51C gene. This nucleotide position is well conserved in available vertebrate species. In silico splice site analysis predicts that this alteration may result in the creation or strengthening of a novel splice donor site; however, direct evidence is insufficient at this time (Ambry internal data). Based on the available evidence, the clinical significance of this alteration remains unclear.